The following is an entry in ClinVar:

NM_000038.6(APC):c.8236G>T (p.Val2746Phe)

Gene: APC (APC regulator of Wnt signaling pathway; plus strand). Cytogenetic location: 5q22.2.
Variant type: single nucleotide variant.
Coding change: c.8236G>T on transcript NM_000038.6 (MANE Select); coding-DNA position 8236, G replaced by T.
Protein change: p.Val2746Phe; replaces valine 2746 with phenylalanine.
Molecular consequence: missense variant.
Genome position (GRCh38, 1-based): chr5:112,843,830, G>T. VCF-style: chr5-112843830-G-T. GRCh37 (hg19) VCF-style: chr5-112179527-G-T.
Other names: c.8236G>T, p.Val2746Phe (NM_001127510.3, NM_001354895.2); c.8182G>T, p.Val2728Phe (NM_001127511.3); c.8290G>T, p.Val2764Phe (NM_001354896.2); c.8266G>T, p.Val2756Phe (NM_001354897.2); c.8161G>T, p.Val2721Phe (NM_001354898.2); c.8152G>T, p.Val2718Phe (NM_001354899.2); c.8113G>T, p.Val2705Phe (NM_001354900.2); c.8059G>T, p.Val2687Phe (NM_001354901.2); and 5 more; short protein forms V2705F, V2746F, V2756F, V2764F, V2586F, V2620F, V2655F, V2718F.
Identifiers: ClinVar variation 957253 (VCV000957253.13), dbSNP rs1766687162, ClinGen allele CA16039209.

ClinVar aggregate classification (germline): Uncertain significance. Review status: criteria provided, multiple submitters, no conflicts (2 of 4 stars). 3 submissions from 3 submitters: Uncertain significance (3). Last evaluated 2025-12-03.

Conditions:
Hereditary cancer-predisposing syndrome. Also called: Tumor predisposition; Hereditary neoplastic syndrome; Neoplastic Syndromes, Hereditary; Hereditary Cancer Syndrome. Identifiers: Orphanet 140162, MedGen C0027672, MeSH D009386, MONDO:0015356.
Familial adenomatous polyposis 1 (FAP1). Also called: POLYPOSIS, ADENOMATOUS INTESTINAL; FAMILIAL ADENOMATOUS POLYPOSIS 1, ATTENUATED. Identifiers: MedGen C2713442, MONDO:0021056, OMIM 175100. Disease mechanism: loss of function.

Submissions (3):

Ambry Genetics
Classification: Uncertain significance for Hereditary cancer-predisposing syndrome. Last evaluated: 2025-12-03. Review status: criteria provided, single submitter. Criteria: Ambry Variant Classification Scheme 2023. Collection method: clinical testing. Allele origin: germline.
Comment: The p.V2746F variant (also known as c.8236G>T), located in coding exon 15 of the APC gene, results from a G to T substitution at nucleotide position 8236. The valine at codon 2746 is replaced by phenylalanine, an amino acid with highly similar properties. This amino acid position is conserved. In addition, in silico predictors for this gene do not accurately predict pathogenicity. Based on the available evidence, the clinical significance of this variant remains unclear.

Quest Diagnostics Nichols Institute San Juan Capistrano
Classification: Uncertain significance. Last evaluated: 2025-07-28. Review status: criteria provided, single submitter. Criteria: Quest Diagnostics criteria. Collection method: clinical testing. Allele origin: unknown.
Comment: The APC c.8236G>T (p.Val2746Phe) variant has not been reported in individuals with APC-related conditions in the published literature. This variant has not been reported in large, multi-ethnic general populations (Genome Aggregation Database). Analysis of this variant using bioinformatics tools for the prediction of the effect of amino acid changes on protein structure and function yielded predictions that this variant is benign. Based on the available information, we are unable to determine the clinical significance of this variant.

Labcorp Genetics (formerly Invitae), Labcorp
Classification: Uncertain significance for Familial adenomatous polyposis 1. Last evaluated: 2025-01-01. Review status: criteria provided, single submitter. Criteria: Invitae Variant Classification Sherloc (09022015). Collection method: clinical testing. Allele origin: germline.
Comment: This sequence change replaces valine, which is neutral and non-polar, with phenylalanine, which is neutral and non-polar, at codon 2746 of the APC protein (p.Val2746Phe). This variant is not present in population databases (gnomAD no frequency). This variant has not been reported in the literature in individuals affected with APC-related conditions. ClinVar contains an entry for this variant (Variation ID: 957253). Invitae Evidence Modeling of protein sequence and biophysical properties (such as structural, functional, and spatial information, amino acid conservation, physicochemical variation, residue mobility, and thermodynamic stability) indicates that this missense variant is not expected to disrupt APC protein function with a negative predictive value of 95%. In summary, the available evidence is currently insufficient to determine the role of this variant in disease. Therefore, it has been classified as a Variant of Uncertain Significance.